The following is an entry in ClinVar:

ClinVar aggregate classification (germline): Uncertain significance. Review status: criteria provided, multiple submitters, no conflicts (2 of 4 stars). 4 submissions from 4 submitters: Uncertain significance (4). Last evaluated 2026-01-21.

Conditions:
ARSG-related disorder. Also called: ARSG-related condition.

Allele frequency attached by ClinVar (database versions not stated): gnomAD 0.00001; TOPMed 0.00002; ExAC 0.00003; gnomAD exomes 0.00003.
gnomAD v4.1: 50 of 1,614,048 alleles (0.0031%); highest among the groups gnomAD compares: Non-Finnish European, 0.0031%; no homozygotes.

Submissions (4):

PreventionGenetics, part of Exact Sciences
Classification: Uncertain significance for ARSG-related condition. Last evaluated: 2026-01-21. Review status: criteria provided, single submitter. Criteria: ACMG Guidelines, 2015. Collection method: clinical testing. Allele origin: germline.
Comment: The ARSG c.748A>G variant is predicted to result in the amino acid substitution p.Met250Val. To our knowledge, this variant has not been reported in the literature. This variant is reported in 0.0092% of alleles in individuals of European (Finnish) descent in gnomAD. At this time, the clinical significance of this variant is uncertain due to the absence of conclusive functional and genetic evidence.

Ambry Genetics
Classification: Uncertain significance. Last evaluated: 2024-11-10. Review status: criteria provided, single submitter. Criteria: Ambry Variant Classification Scheme 2023. Collection method: clinical testing. Allele origin: germline.

Blueprint Genetics
Classification: Uncertain significance. Last evaluated: 2022-10-10. Review status: criteria provided, single submitter. Criteria: ACMG Guidelines, 2015. Collection method: clinical testing. Allele origin: germline.

Labcorp Genetics (formerly Invitae), Labcorp
Classification: Uncertain significance. Last evaluated: 2022-08-05. Review status: criteria provided, single submitter. Criteria: Invitae Variant Classification Sherloc (09022015). Collection method: clinical testing. Allele origin: germline.
Comment: This sequence change replaces methionine, which is neutral and non-polar, with valine, which is neutral and non-polar, at codon 250 of the ARSG protein (p.Met250Val). This variant is present in population databases (rs755291918, gnomAD 0.009%). This variant has not been reported in the literature in individuals affected with ARSG-related conditions. ClinVar contains an entry for this variant (Variation ID: 1395711). Algorithms developed to predict the effect of missense changes on protein structure and function (SIFT, PolyPhen-2, Align-GVGD) all suggest that this variant is likely to be tolerated. In summary, the available evidence is currently insufficient to determine the role of this variant in disease. Therefore, it has been classified as a Variant of Uncertain Significance.

NM_001267727.2(ARSG):c.748A>G (p.Met250Val)

Gene: ARSG (arylsulfatase G; plus strand). Cytogenetic location: 17q24.2.
Variant type: single nucleotide variant.
Coding change: c.748A>G on transcript NM_001267727.2 (MANE Select); coding-DNA position 748, A replaced by G.
Protein change: p.Met250Val; replaces methionine 250 with valine.
Molecular consequence: missense variant.
Genome position (GRCh38, 1-based): chr17:68,368,591, A>G. VCF-style: chr17-68368591-A-G. GRCh37 (hg19) VCF-style: chr17-66364732-A-G.
Other names: c.748A>G (NM_014960.4, NM_014960.3); c.748A>G, p.Met250Val (NM_001352899.2, NM_001352900.2, NM_001352901.2 and 3 more transcripts); c.745A>G, p.Met249Val (NM_001352903.2, NM_001352904.2, NM_001352905.2 and 2 more transcripts); c.700A>G, p.Met234Val (NM_001352909.2); short protein forms M234V, M249V, M250V.
Identifiers: ClinVar variation 1395711 (VCV001395711.6), dbSNP rs755291918, ClinGen allele CA8728351.